The following is an entry in ClinVar:

ClinVar aggregate classification (germline): Pathogenic/Likely pathogenic. Review status: criteria provided, multiple submitters, no conflicts (2 of 4 stars). 3 submissions from 3 submitters: Pathogenic (1); Likely pathogenic (2). Last evaluated 2024-10-28.

Conditions:
Multiple sulfatase deficiency (MSD). Also called: Mucosulfatidosis; Multiple Sulfatase Deficiency Disease; Sulfatidosis, Juvenile, Austin Type. Identifiers: Orphanet 585, MedGen C0268263, MONDO:0010088, OMIM 272200.

Allele frequency attached by ClinVar (database versions not stated): gnomAD exomes 0.00001 and 0.00002; ExAC 0.00002; TOPMed 0.00002.

Submissions (3):

Labcorp Genetics (formerly Invitae), Labcorp
Classification: Pathogenic for Multiple sulfatase deficiency. Last evaluated: 2024-10-28. Review status: criteria provided, single submitter. Criteria: Invitae Variant Classification Sherloc (09022015). Collection method: clinical testing. Allele origin: germline.
Comment: This sequence change replaces arginine, which is basic and polar, with tryptophan, which is neutral and slightly polar, at codon 224 of the SUMF1 protein (p.Arg224Trp). This variant is present in population databases (rs759888604, gnomAD 0.02%). This missense change has been observed in individual(s) with multiple sulfatase deficiency (PMID: 15146462). ClinVar contains an entry for this variant (Variation ID: 1517375). Invitae Evidence Modeling of protein sequence and biophysical properties (such as structural, functional, and spatial information, amino acid conservation, physicochemical variation, residue mobility, and thermodynamic stability) indicates that this missense variant is expected to disrupt SUMF1 protein function with a positive predictive value of 95%. Experimental studies have shown that this missense change affects SUMF1 function (PMID: 15146462, 17657823). This variant disrupts the p.Arg224 amino acid residue in SUMF1. Other variant(s) that disrupt this residue have been determined to be pathogenic (PMID: 36441600). This suggests that this residue is clinically significant, and that variants that disrupt this residue are likely to be disease-causing. For these reasons, this variant has been classified as Pathogenic.

CeGaT Center for Human Genetics Tuebingen
Classification: Likely pathogenic. Last evaluated: 2023-03-01. Review status: criteria provided, single submitter. Criteria: CeGaT Center For Human Genetics Tuebingen Variant Classification Criteria Version 2. Collection method: clinical testing. Allele origin: germline. Affected: yes. Observed: 3 variant alleles.
Comment: SUMF1: PM2, PM3, PP3, PP4, PS3:Supporting

Juno Genomics, Hangzhou Juno Genomics, Inc
Classification: Likely pathogenic for Multiple sulfatase deficiency. Review status: criteria provided, single submitter. Criteria: ACMG Guidelines, 2015. Collection method: clinical testing. Allele origin: germline.
Comment: Absent from controls (or at extremely low frequency if recessive) in Genome Aggregation Database.;Well-established in vitro or in vivo functional studies supportive of a damaging effect on the gene or gene product.;Novel missense change at an amino acid residue where a different missense change determined to be pathogenic has been seen before.;For recessive disorders, detected in trans with a pathogenic variant.;Patient's phenotype or family history is highly specific for a disease with a single genetic etiology.

Literature cited by the submitters: PubMed 15146462 (cited by Labcorp Genetics (formerly Invitae), Labcorp); PubMed 17657823 (cited by Labcorp Genetics (formerly Invitae), Labcorp); PubMed 36441600 (cited by Labcorp Genetics (formerly Invitae), Labcorp).

NM_182760.4(SUMF1):c.670C>T (p.Arg224Trp)

Gene: SUMF1 (sulfatase modifying factor 1; minus strand). Cytogenetic location: 3p26.1.
Variant type: single nucleotide variant.
Coding change: c.670C>T on transcript NM_182760.4 (MANE Select); coding-DNA position 670, C replaced by T.
Protein change: p.Arg224Trp; replaces arginine 224 with tryptophan.
Molecular consequence: missense variant.
Genome position (GRCh38, 1-based): chr3:4,418,065, G>A on the plus strand (C>T on the coding strand, the complement: SUMF1 is on the minus strand). VCF-style: chr3-4418065-G-A. GRCh37 (hg19) VCF-style: chr3-4459749-G-A.
Other names: c.595C>T, p.Arg199Trp (NM_001164674.2); c.670C>T, p.Arg224Trp (NM_001164675.2); short protein forms R199W, R224W.
Identifiers: ClinVar variation 1517375 (VCV001517375.38), dbSNP rs759888604, ClinGen allele CA2230503.